The following is an entry in ClinVar:

ClinVar aggregate classification (germline): Uncertain significance (1 of 4 stars; one submission).

Allele frequency attached by ClinVar (database versions not stated): ExAC 0.00002.

Submission:

Labcorp Genetics (formerly Invitae), Labcorp
Classification: Uncertain significance. Last evaluated: 2022-07-24. Review status: criteria provided, single submitter. Criteria: Invitae Variant Classification Sherloc (09022015). Collection method: clinical testing. Allele origin: germline.
Comment: This sequence change replaces valine, which is neutral and non-polar, with methionine, which is neutral and non-polar, at codon 296 of the MGME1 protein (p.Val296Met). This variant is present in population databases (rs749463136, gnomAD 0.01%). This variant has not been reported in the literature in individuals affected with MGME1-related conditions. Algorithms developed to predict the effect of missense changes on protein structure and function are either unavailable or do not agree on the potential impact of this missense change (SIFT: "Deleterious"; PolyPhen-2: "Probably Damaging"; Align-GVGD: "Class C0"). In summary, the available evidence is currently insufficient to determine the role of this variant in disease. Therefore, it has been classified as a Variant of Uncertain Significance.

NM_052865.4(MGME1):c.886G>A (p.Val296Met)

Gene: MGME1 (mitochondrial genome maintenance exonuclease 1; plus strand). Cytogenetic location: 20p11.23.
Variant type: single nucleotide variant.
Coding change: c.886G>A on transcript NM_052865.4 (MANE Select); coding-DNA position 886, G replaced by A.
Protein change: p.Val296Met; replaces valine 296 with methionine.
Molecular consequence: missense variant.
Genome position (GRCh38, 1-based): chr20:17,989,960, G>A. VCF-style: chr20-17989960-G-A. GRCh37 (hg19) VCF-style: chr20-17970603-G-A.
Other names: c.931G>A, p.Val311Met (NM_001310338.2); c.533G>A, p.Gly178Asp (NM_001310339.2); c.646G>A, p.Val216Met (NM_001363738.2); short protein forms V296M, G178D, V216M, V311M.
Identifiers: ClinVar variation 2108596 (VCV002108596.1), dbSNP rs749463136, ClinGen allele CA9775066.